The following is an entry in ClinVar:

NM_000520.6(HEXA):c.1171G>A (p.Val391Met)

Gene: HEXA (hexosaminidase subunit alpha; minus strand). Cytogenetic location: 15q23.
Variant type: single nucleotide variant.
Coding change: c.1171G>A on transcript NM_000520.6 (MANE Select); coding-DNA position 1171, G replaced by A.
Protein change: p.Val391Met; replaces valine 391 with methionine.
Molecular consequence: missense variant.
Genome position (GRCh38, 1-based): chr15:72,346,686, C>T on the plus strand (G>A on the coding strand, the complement: HEXA is on the minus strand). VCF-style: chr15-72346686-C-T. GRCh37 (hg19) VCF-style: chr15-72639027-C-T.
Other names: c.1204G>A, p.Val402Met (NM_001318825.2); c.1171G>A (NM_000520.5); short protein forms V391M, V402M.
Identifiers: ClinVar variation 1067655 (VCV001067655.11), dbSNP rs2140320821, ClinGen allele CA393061352.

ClinVar aggregate classification (germline): Pathogenic/Likely pathogenic. Review status: criteria provided, multiple submitters, no conflicts (2 of 4 stars). 3 submissions from 3 submitters: Pathogenic (1); Likely pathogenic (2). Last evaluated 2025-11-18.

Conditions:
Tay-Sachs disease (TSD). Also called: HEXA DEFICIENCY; HEXA Disorders; GM2 gangliosidosis, type 1; Hexosaminidase alpha-subunit deficiency (variant B); Sphingolipidosis, Tay-Sachs; Hexosaminidase A Deficiency. Identifiers: Orphanet 845, MedGen C0039373, MONDO:0010100, OMIM 272800.

Allele frequency attached by ClinVar (database versions not stated): gnomAD exomes below 0.00001.
gnomAD v4.1: 1 of 1,614,132 alleles (0.000062%); highest among the groups gnomAD compares: Non-Finnish European, 0.000085%; no homozygotes.

Submissions (3):

Natera, Inc.
Classification: Likely pathogenic for Tay-Sachs disease. Last evaluated: 2025-11-18. Review status: criteria provided, single submitter. Criteria: Natera Variant Classification Schema (03/2026). Collection method: clinical testing. Allele origin: germline.
Comment: The c.1171G>A variant in HEXA is a missense variant predicted to cause substitution of valine to methionine at amino acid 391. This variant is rare in the general population with a frequency below the threshold expected for the associated phenotype(s). This variant has been observed in one or more individuals affected with the associated recessive disease, as either homozygous or compound heterozygous with a second variant (PMID: 7898712). Additionally, this variant has been observed to segregate in affected family members (PMID: 7898712). This variant has been identified in one or more affected individuals with a phenotype highly consistent with the associated gene (PMID: 7898712). Computational prediction algorithms indicate this variant is likely to affect gene or protein function. Given the available evidence, this variant is classified as Likely Pathogenic.

Labcorp Genetics (formerly Invitae), Labcorp
Classification: Pathogenic for Tay-Sachs disease. Last evaluated: 2025-04-10. Review status: criteria provided, single submitter. Criteria: Invitae Variant Classification Sherloc (09022015). Collection method: clinical testing. Allele origin: germline.
Comment: This sequence change replaces valine, which is neutral and non-polar, with methionine, which is neutral and non-polar, at codon 391 of the HEXA protein (p.Val391Met). This variant is not present in population databases (gnomAD no frequency). This missense change has been observed in individual(s) with Tay-Sachs disease (PMID: 7898712). In at least one individual the data is consistent with being in trans (on the opposite chromosome) from a pathogenic variant. It has also been observed to segregate with disease in related individuals. ClinVar contains an entry for this variant (Variation ID: 1067655). Invitae Evidence Modeling of protein sequence and biophysical properties (such as structural, functional, and spatial information, amino acid conservation, physicochemical variation, residue mobility, and thermodynamic stability) indicates that this missense variant is expected to disrupt HEXA protein function with a positive predictive value of 95%. For these reasons, this variant has been classified as Pathogenic.

Women's Health and Genetics/Laboratory Corporation of America, LabCorp
Classification: Likely pathogenic for Tay-Sachs disease. Last evaluated: 2024-09-16. Review status: criteria provided, single submitter. Criteria: LabCorp Variant Classification Summary - May 2015. Collection method: clinical testing. Allele origin: germline.
Comment: Variant summary: HEXA c.1171G>A (p.Val391Met) results in a conservative amino acid change located in the Glycoside hydrolase family 20, catalytic domain (IPR015883) of the encoded protein sequence. Four of five in-silico tools predict a damaging effect of the variant on protein function. The variant was absent in 251464 control chromosomes. c.1171G>A has been reported in the literature in two compound heterozygous individuals in a single family affected with Tay-Sachs Disease (Navon_1995). These data indicate that the variant may be associated with disease. At least one publication reports experimental evidence evaluating an impact on protein function. The most pronounced variant effect results in <10% of normal activity (Navon_1995). The following publication have been ascertained in the context of this evaluation (PMID: 7898712). ClinVar contains an entry for this variant (Variation ID: 1067655). Based on the evidence outlined above, the variant was classified as likely pathogenic.

Literature cited by the submitters: PubMed 7898712 (cited by 3 submitters).